The following is an entry in ClinVar:

ClinVar aggregate classification (germline): Uncertain significance (1 of 4 stars; one submission).

Conditions:
Gastrointestinal stromal tumor. Also called: Gastrointestinal stromal tumor, somatic; Gastrointestinal stroma tumor. Identifiers: Orphanet 44890, MedGen C0238198, MeSH D046152, MONDO:0011719, OMIM 606764, HP:0100723.

Submission:

Labcorp Genetics (formerly Invitae), Labcorp
Classification: Uncertain significance for Gastrointestinal stromal tumor. Last evaluated: 2020-06-10. Review status: criteria provided, single submitter. Criteria: Invitae Variant Classification Sherloc (09022015). Collection method: clinical testing. Allele origin: germline.
Comment: This variant is an out-of-frame deletion of the genomic region encompassing exon(s) 3-5 of the PDGFRA gene. This is expected to create a premature translational stop signal and result in an absent or disrupted protein product. In summary, the available evidence is currently insufficient to determine the role of this variant in disease. Therefore, it has been classified as a Variant of Uncertain Significance. The current clinical and genetic evidence is not sufficient to establish whether loss-of-function variants in PDGFRA cause disease. This variant has not been reported in the literature in individuals with PDGFRA-related conditions.

NC_000004.11:g.(?_55127252)_(55131226_?)del

Gene: PDGFRA (platelet derived growth factor receptor alpha; plus strand). Cytogenetic location: 4q12.
Variant type: Deletion.
Identifiers: ClinVar variation 1054367 (VCV001054367.3).